The following is an entry in ClinVar:

ClinVar aggregate classification (germline): Likely benign (0 of 4 stars; one submission).

Conditions:
SYT1-related disorder. Also called: SYT1-related condition.

Allele frequency attached by ClinVar (database versions not stated): gnomAD exomes below 0.00001; ExAC 0.00002; gnomAD 0.00002; TOPMed 0.00004.
gnomAD v4.1: 16 of 1,613,858 alleles (0.00099%); highest among the groups gnomAD compares: East Asian, 0.011%; no homozygotes.

Submission:

PreventionGenetics, part of Exact Sciences
Classification: Likely benign for SYT1-related condition. Last evaluated: 2019-03-28. Review status: no assertion criteria provided. Collection method: clinical testing. Allele origin: germline.
Comment: This variant is classified as likely benign based on ACMG/AMP sequence variant interpretation guidelines (Richards et al. 2015 PMID: 25741868, with internal and published modifications).

NM_005639.3(SYT1):c.594C>G (p.Val198=)

Gene: SYT1 (synaptotagmin 1; plus strand). Cytogenetic location: 12q21.2.
Variant type: single nucleotide variant.
Coding change: c.594C>G on transcript NM_005639.3 (MANE Select); coding-DNA position 594, C replaced by G.
Protein change: p.Val198=; no amino-acid change (valine 198 retained).
Molecular consequence: synonymous variant.
Genome position (GRCh38, 1-based): chr12:79,296,188, C>G. VCF-style: chr12-79296188-C-G. GRCh37 (hg19) VCF-style: chr12-79689968-C-G.
Other names: c.594C>G, p.Val198= (NM_001135805.2, NM_001135806.2, NM_001415938.1 and 2 more transcripts); c.585C>G, p.Val195= (NM_001291901.2, NM_001415941.1, NM_001415942.1 and 1 more transcripts).
Identifiers: ClinVar variation 3057703 (VCV003057703.2), dbSNP rs370573414, ClinGen allele CA6698847.